The following is an entry in ClinVar:

NM_001161352.2(KCNMA1):c.1936A>G (p.Ile646Val)

Gene: KCNMA1 (potassium calcium-activated channel subfamily M alpha 1; minus strand). Cytogenetic location: 10q22.3.
Variant type: single nucleotide variant.
Coding change: c.1936A>G on transcript NM_001161352.2 (MANE Select); coding-DNA position 1936, A replaced by G.
Protein change: p.Ile646Val; replaces isoleucine 646 with valine.
Molecular consequence: missense variant.
Genome position (GRCh38, 1-based): chr10:77,019,092, T>C on the plus strand (A>G on the coding strand, the complement: KCNMA1 is on the minus strand). VCF-style: chr10-77019092-T-C. GRCh37 (hg19) VCF-style: chr10-78778850-T-C.
Other names: c.1948A>G, p.Ile650Val (NM_001014797.3, NM_001322830.2, NM_001322835.2 and 1 more transcripts); c.1936A>G, p.Ile646Val (NM_001161353.2, NM_001271519.2, NM_001322829.2 and 3 more transcripts); c.1786A>G, p.Ile596Val (NM_001271518.2); c.1396A>G, p.Ile466Val (NM_001322838.2); short protein forms I596V, I650V, I646V, I466V.
Identifiers: ClinVar variation 840068 (VCV000840068.10), dbSNP rs2092524960, ClinGen allele CA377408279.
Genomic context (GRCh38, chr10:77,019,092, plus strand): 5'-CACTTGCGATGAAAAATCCTAAAGTACCTTCTTGGATCTTAAGATGGTTTCCAGGATTAA[T>C]TAATATACTGCTCAGTGAACAAAAACAAACAGAGAAGATACATTTGTGAGGTCATGTTCT-3'
Protein context (NP_001154824.1, residues 636-656): KSANRESRIL[Ile646Val]NPGNHLKIQE

ClinVar aggregate classification (germline): Uncertain significance (1 of 4 stars; one submission).

Conditions:
Generalized epilepsy-paroxysmal dyskinesia syndrome (PNKD3). Also called: Generalized epilepsy and paroxysmal dyskinesia; Paroxysmal nonkinesigenic dyskinesia, 3, with or without generalized epilepsy. Identifiers: Orphanet 79137, MedGen C5574945, MONDO:0012276, OMIM 609446.

Submission:

Labcorp Genetics (formerly Invitae), Labcorp
Classification: Uncertain significance for Generalized epilepsy-paroxysmal dyskinesia syndrome. Last evaluated: 2019-05-07. Review status: criteria provided, single submitter. Criteria: Invitae Variant Classification Sherloc (09022015). Collection method: clinical testing. Allele origin: germline.
Comment: In summary, the available evidence is currently insufficient to determine the role of this variant in disease. Therefore, it has been classified as a Variant of Uncertain Significance. Algorithms developed to predict the effect of missense changes on protein structure and function (SIFT, PolyPhen-2, Align-GVGD) all suggest that this variant is likely to be disruptive, but these predictions have not been confirmed by published functional studies and their clinical significance is uncertain. This variant has not been reported in the literature in individuals with KCNMA1-related conditions. This variant is not present in population databases (ExAC no frequency). This sequence change replaces isoleucine with valine at codon 646 of the KCNMA1 protein (p.Ile646Val). The isoleucine residue is highly conserved and there is a small physicochemical difference between isoleucine and valine.